The following is an entry in ClinVar:

NM_032242.4(PLXNA1):c.107_108delinsTA (p.Gly36Val)

Gene: PLXNA1 (plexin A1; plus strand). Cytogenetic location: 3q21.3.
Variant type: Indel.
Coding change: c.107_108delinsTA on transcript NM_032242.4 (MANE Select); coding-DNA positions 107 to 108, GT replaced by TA.
Protein change: p.Gly36Val; replaces glycine 36 with valine.
Molecular consequence: missense variant.
Genome position (GRCh38, 1-based): chr3:126,988,700-126,988,701, GT replaced by TA. VCF-style: chr3-126988700-GT-TA. GRCh37 (hg19) VCF-style: chr3-126707543-GT-TA.
Other names: short protein forms G36V.
Identifiers: ClinVar variation 4992349 (VCV004992349.1).

ClinVar aggregate classification (germline): Uncertain significance (1 of 4 stars; one submission).

Conditions:
PLXNA1-related disorder. Also called: PLXNA1-related condition.

Submission:

PreventionGenetics, part of Exact Sciences
Classification: Uncertain significance for PLXNA1-related condition. Last evaluated: 2026-04-27. Review status: criteria provided, single submitter. Criteria: ACMG Guidelines, 2015. Collection method: clinical testing. Allele origin: germline.
Comment: The PLXNA1 c.107_108delinsTA variant is predicted to result in an in-frame deletion and insertion. To our knowledge, this variant has not been reported in the literature or in a large population database (gnomAD), indicating this variant is rare. At this time, the clinical significance of this variant is uncertain due to the absence of conclusive functional and genetic evidence.